The following is an entry in ClinVar:

ClinVar aggregate classification (germline): Benign/Likely benign. Review status: criteria provided, multiple submitters, no conflicts (2 of 4 stars). 3 submissions from 3 submitters: Benign (1); Likely benign (1). 1 of the submissions does not count toward it. Last evaluated 2026-06-17.

Conditions:
ANKRD1-related disorder. Also called: ANKRD1-related condition.
Cardiovascular phenotype. Identifiers: MedGen CN230736.
ANKRD1-related dilated cardiomyopathy. Identifiers: MedGen CN119551.

Allele frequency attached by ClinVar (database versions not stated): TOPMed 0.00006; ExAC 0.00007; gnomAD exomes 0.00001 and 0.00008.
gnomAD v4.1: 17 of 1,613,158 alleles (0.0011%); highest among the groups gnomAD compares: East Asian, 0.038%; no homozygotes.

Submissions (3):

Ambry Genetics
Classification: Benign for Cardiovascular phenotype. Last evaluated: 2026-06-17. Review status: criteria provided, single submitter. Criteria: Ambry Variant Classification Scheme 2023. Collection method: clinical testing. Allele origin: germline.

Labcorp Genetics (formerly Invitae), Labcorp
Classification: Likely benign for ANKRD1-related dilated cardiomyopathy. Last evaluated: 2022-08-23. Review status: criteria provided, single submitter. Criteria: Invitae Variant Classification Sherloc (09022015). Collection method: clinical testing. Allele origin: germline.

PreventionGenetics, part of Exact Sciences
Classification: Likely benign for ANKRD1-related condition. Last evaluated: 2022-04-05. Review status: no assertion criteria provided. Collection method: clinical testing. Allele origin: germline. Not counted in ClinVar's aggregate classification.
Comment: This variant is classified as likely benign based on ACMG/AMP sequence variant interpretation guidelines (Richards et al. 2015 PMID: 25741868, with internal and published modifications).

NM_014391.3(ANKRD1):c.751-4C>A

Gene: ANKRD1 (ankyrin repeat domain 1; minus strand). Cytogenetic location: 10q23.31.
Variant type: single nucleotide variant.
Coding change: c.751-4C>A on transcript NM_014391.3 (MANE Select); 4 bases into the intron before coding-DNA position 751, C replaced by A.
Molecular consequence: intron variant.
Genome position (GRCh38, 1-based): chr10:90,915,645, G>T on the plus strand (C>A on the coding strand, the complement: ANKRD1 is on the minus strand). VCF-style: chr10-90915645-G-T. GRCh37 (hg19) VCF-style: chr10-92675402-G-T.
Identifiers: ClinVar variation 264542 (VCV000264542.17), dbSNP rs780419708, ClinGen allele CA5598613.